The following is an entry in ClinVar:

ClinVar aggregate classification (germline): Uncertain significance (1 of 4 stars; one submission).

Submission:

Labcorp Genetics (formerly Invitae), Labcorp
Classification: Uncertain significance. Last evaluated: 2022-08-09. Review status: criteria provided, single submitter. Criteria: Invitae Variant Classification Sherloc (09022015). Collection method: clinical testing. Allele origin: germline.
Comment: In summary, the available evidence is currently insufficient to determine the role of this variant in disease. Therefore, it has been classified as a Variant of Uncertain Significance. Algorithms developed to predict the effect of missense changes on protein structure and function (SIFT, PolyPhen-2, Align-GVGD) all suggest that this variant is likely to be tolerated. ClinVar contains an entry for this variant (Variation ID: 1468500). This variant has not been reported in the literature in individuals affected with ACY1-related conditions. This variant is not present in population databases (gnomAD no frequency). This sequence change replaces isoleucine, which is neutral and non-polar, with valine, which is neutral and non-polar, at codon 139 of the ACY1 protein (p.Ile139Val).

NM_000666.3(ACY1):c.415A>G (p.Ile139Val)

Genes: ABHD14A-ACY1 (ABHD14A-ACY1 readthrough; plus strand), ACY1 (aminoacylase 1; plus strand). Cytogenetic location: 3p21.2.
Variant type: single nucleotide variant.
Coding change: c.415A>G on transcript NM_000666.3 (MANE Select); coding-DNA position 415, A replaced by G.
Protein change: p.Ile139Val; replaces isoleucine 139 with valine.
Molecular consequence: missense variant. On other transcripts: intron variant (1).
Genome position (GRCh38, 1-based): chr3:51,986,310, A>G. VCF-style: chr3-51986310-A-G. GRCh37 (hg19) VCF-style: chr3-52020326-A-G.
Other names: c.685A>G, p.Ile229Val (NM_001316331.2); c.415A>G, p.Ile139Val (NM_001198895.2, NM_001198897.2); c.310A>G, p.Ile104Val (NM_001198898.2); c.311-295A>G (NM_001198896.2); short protein forms I104V, I229V, I139V.
Identifiers: ClinVar variation 1468500 (VCV001468500.6), dbSNP rs2106834388, ClinGen allele CA353088943.